The following is an entry in ClinVar:

ClinVar aggregate classification (germline): Uncertain significance. Review status: criteria provided, multiple submitters, no conflicts (2 of 4 stars). 3 submissions from 3 submitters: Uncertain significance (3). Last evaluated 2025-06-24.

Conditions:
Fabry disease. Also called: Fabry's disease; ALPHA-GALACTOSIDASE A DEFICIENCY; ANDERSON-FABRY DISEASE; CERAMIDE TRIHEXOSIDASE DEFICIENCY; GLA DEFICIENCY; HEREDITARY DYSTOPIC LIPIDOSIS. Identifiers: Orphanet 324, MedGen C0002986, MONDO:0010526, OMIM 301500, HP:0001071. Disease mechanism: Fabry disease is due to inactivating mutations in the X-linked GLA gene resulting in deficiency of the enzyme Alpha Galactosidase-A., loss of function.

Allele frequency attached by ClinVar (database versions not stated): gnomAD 0.00001.
gnomAD v4.1: 1 of 1,210,314 alleles (0.000083%); highest among the groups gnomAD compares: Non-Finnish European, 0.00011%; no homozygotes.

Submissions (3):

Color Diagnostics, LLC DBA Color Health
Classification: Uncertain significance for Fabry disease. Last evaluated: 2025-06-24. Review status: criteria provided, single submitter. Criteria: ACMG Guidelines, 2015. Collection method: clinical testing. Allele origin: germline.
Comment: This missense variant replaces proline with leucine at codon 114 of the GLA protein. Computational prediction suggests that this variant may have a deleterious impact on protein structure and function. To our knowledge, functional studies have not been reported for this variant. This variant has not been reported in individuals affected with GLA-related disorders in the literature. This variant has been identified in 1/22000 chromosomes in the general population by the Genome Aggregation Database (gnomAD). The available evidence is insufficient to determine the role of this variant in disease conclusively. Therefore, this variant is classified as a Variant of Uncertain Significance.

Revvity Omics, Revvity
Classification: Uncertain significance. Last evaluated: 2024-04-25. Review status: criteria provided, single submitter. Criteria: ACMG Guidelines, 2015. Collection method: clinical testing. Allele origin: germline.

Labcorp Genetics (formerly Invitae), Labcorp
Classification: Uncertain significance for Fabry disease. Last evaluated: 2022-10-09. Review status: criteria provided, single submitter. Criteria: Invitae Variant Classification Sherloc (09022015). Collection method: clinical testing. Allele origin: germline.
Comment: This sequence change replaces proline, which is neutral and non-polar, with leucine, which is neutral and non-polar, at codon 114 of the GLA protein (p.Pro114Leu). This variant is present in population databases (no rsID available, gnomAD 0.009%). This variant has not been reported in the literature in individuals affected with GLA-related conditions. Advanced modeling of protein sequence and biophysical properties (such as structural, functional, and spatial information, amino acid conservation, physicochemical variation, residue mobility, and thermodynamic stability) performed at Invitae indicates that this missense variant is expected to disrupt GLA protein function. In summary, the available evidence is currently insufficient to determine the role of this variant in disease. Therefore, it has been classified as a Variant of Uncertain Significance.

NM_000169.3(GLA):c.341C>T (p.Pro114Leu)

Genes: GLA (galactosidase alpha; minus strand), RPL36A-HNRNPH2 (RPL36A-HNRNPH2 readthrough; plus strand). Cytogenetic location: Xq22.1.
Variant type: single nucleotide variant.
Coding change: c.341C>T on transcript NM_000169.3 (MANE Select); coding-DNA position 341, C replaced by T.
Protein change: p.Pro114Leu; replaces proline 114 with leucine.
Molecular consequence: missense variant. On other transcripts: non-coding transcript variant (3), intron variant (2).
Genome position (GRCh38, 1-based): chrX:101,403,839, G>A on the plus strand (C>T on the coding strand, the complement: GLA is on the minus strand). VCF-style: chrX-101403839-G-A. GRCh37 (hg19) VCF-style: chrX-100658827-G-A.
Other names: c.464C>T, p.Pro155Leu (NM_001406747.1, NM_001406749.1); c.341C>T, p.Pro114Leu (NM_001406748.1); c.301-8097G>A (NM_001199973.2); c.178-8097G>A (NM_001199974.2); short protein forms P114L, P155L.
Identifiers: ClinVar variation 1966900 (VCV001966900.4), dbSNP rs1555986247, ClinGen allele CA413932994.
Genomic context (GRCh38, chrX:101,403,839, plus strand): 5'-TGAATGAACAAGAACATTATCTATAAACTCACATAATTAGCTAGCTGGCGAATCCCATGA[G>A]GAAAGCGCTGAGGGTCTGCCTGAAGTCTGCCTTCTGAATCTCTTTGGGGAGCCATCCAAC-3'
Protein context (NP_000160.1, residues 104-124): GRLQADPQRF[Pro114Leu]HGIRQLANYV